The following is an entry in ClinVar:

NM_002299.4(LCT):c.3730G>A (p.Ala1244Thr)

Gene: LCT (lactase; minus strand). Cytogenetic location: 2q21.3.
Variant type: single nucleotide variant.
Coding change: c.3730G>A on transcript NM_002299.4 (MANE Select); coding-DNA position 3730, G replaced by A.
Protein change: p.Ala1244Thr; replaces alanine 1244 with threonine.
Molecular consequence: missense variant.
Genome position (GRCh38, 1-based): chr2:135,808,617, C>T on the plus strand (G>A on the coding strand, the complement: LCT is on the minus strand). VCF-style: chr2-135808617-C-T. GRCh37 (hg19) VCF-style: chr2-136566187-C-T.
Other names: short protein forms A1244T.
Identifiers: ClinVar variation 1500616 (VCV001500616.6), dbSNP rs1480366343, ClinGen allele CA348598664.

ClinVar aggregate classification (germline): Uncertain significance (1 of 4 stars; one submission).

Allele frequency attached by ClinVar (database versions not stated): gnomAD exomes below 0.00001.
gnomAD v4.1: 1 of 1,614,214 alleles (0.000062%); highest among the groups gnomAD compares: Non-Finnish European, 0.000085%; no homozygotes.

Submission:

Labcorp Genetics (formerly Invitae), Labcorp
Classification: Uncertain significance. Last evaluated: 2024-05-20. Review status: criteria provided, single submitter. Criteria: Invitae Variant Classification Sherloc (09022015). Collection method: clinical testing. Allele origin: germline.
Comment: This sequence change replaces alanine, which is neutral and non-polar, with threonine, which is neutral and polar, at codon 1244 of the LCT protein (p.Ala1244Thr). This variant is not present in population databases (gnomAD no frequency). This variant has not been reported in the literature in individuals affected with LCT-related conditions. ClinVar contains an entry for this variant (Variation ID: 1500616). An algorithm developed to predict the effect of missense changes on protein structure and function (PolyPhen-2) suggests that this variant is likely to be tolerated. In summary, the available evidence is currently insufficient to determine the role of this variant in disease. Therefore, it has been classified as a Variant of Uncertain Significance.